The following is an entry in ClinVar:

ClinVar aggregate classification (germline): Uncertain significance. Review status: criteria provided, multiple submitters, no conflicts (2 of 4 stars). 3 submissions from 3 submitters: Uncertain significance (2). 1 of the submissions does not count toward it. Last evaluated 2022-05-27.

Conditions:
Bardet-Biedl syndrome 16 (BBS16). Identifiers: Orphanet 110, MedGen C3889474, MONDO:0014444, OMIM 615993.
Senior-Loken syndrome 7 (SLSN7). Identifiers: Orphanet 3156, MedGen C3150877, MONDO:0013326, OMIM 613615.
SDCCAG8-related disorder. Also called: SDCCAG8-Related Disorders; SDCCAG8-related condition.

Allele frequency attached by ClinVar (database versions not stated): TOPMed 0.00001; ExAC 0.00007; gnomAD 0.00007 and 0.00008.
gnomAD v4.1: 115 of 1,613,696 alleles (0.0071%); highest among the groups gnomAD compares: Non-Finnish European, 0.0096%; no homozygotes.

Submissions (3):

Fulgent Genetics
Classification: Uncertain significance for Senior-Loken syndrome 7; Bardet-Biedl syndrome 16. Last evaluated: 2022-05-27. Review status: criteria provided, single submitter. Criteria: ACMG Guidelines, 2015. Collection method: clinical testing. Allele origin: unknown.

Labcorp Genetics (formerly Invitae), Labcorp
Classification: Uncertain significance for Bardet-Biedl syndrome 16; Senior-Loken syndrome 7. Last evaluated: 2021-10-17. Review status: criteria provided, single submitter. Criteria: Invitae Variant Classification Sherloc (09022015). Collection method: clinical testing. Allele origin: germline.
Comment: This sequence change replaces leucine with isoleucine at codon 375 of the SDCCAG8 protein (p.Leu375Ile). The leucine residue is moderately conserved and there is a small physicochemical difference between leucine and isoleucine. This variant is present in population databases (rs745634199, ExAC 0.01%). This variant has not been reported in the literature in individuals affected with SDCCAG8-related conditions. Algorithms developed to predict the effect of missense changes on protein structure and function are either unavailable or do not agree on the potential impact of this missense change (SIFT: "Tolerated"; PolyPhen-2: "Probably Damaging"; Align-GVGD: "Class C0"). In summary, the available evidence is currently insufficient to determine the role of this variant in disease. Therefore, it has been classified as a Variant of Uncertain Significance.

PreventionGenetics, part of Exact Sciences
Classification: Uncertain significance for SDCCAG8-related condition. Last evaluated: 2024-05-31. Review status: no assertion criteria provided. Collection method: clinical testing. Allele origin: germline. Not counted in ClinVar's aggregate classification.
Comment: The SDCCAG8 c.1123C>A variant is predicted to result in the amino acid substitution p.Leu375Ile. To our knowledge, this variant has not been reported in the literature. This variant is reported in 0.015% of alleles in individuals of European (Non-Finnish) descent in gnomAD. At this time, the clinical significance of this variant is uncertain due to the absence of conclusive functional and genetic evidence.

NM_006642.5(SDCCAG8):c.1123C>A (p.Leu375Ile)

Gene: SDCCAG8 (SHH signaling and ciliogenesis regulator SDCCAG8; plus strand). Cytogenetic location: 1q43.
Variant type: single nucleotide variant.
Coding change: c.1123C>A on transcript NM_006642.5 (MANE Select); coding-DNA position 1123, C replaced by A.
Protein change: p.Leu375Ile; replaces leucine 375 with isoleucine.
Molecular consequence: missense variant.
Genome position (GRCh38, 1-based): chr1:243,330,594, C>A. VCF-style: chr1-243330594-C-A. GRCh37 (hg19) VCF-style: chr1-243493896-C-A.
Other names: c.1123C>A (NM_006642.3); c.220C>A, p.Leu74Ile (NM_001350246.2, NM_001350247.2, NM_001350251.2); c.1219C>A, p.Leu407Ile (NM_001350248.2); c.829C>A, p.Leu277Ile (NM_001350249.2); short protein forms L277I, L74I, L375I, L407I.
Identifiers: ClinVar variation 1367848 (VCV001367848.5), dbSNP rs745634199, ClinGen allele CA1483564.